The following is an entry in ClinVar:

ClinVar aggregate classification (germline): Uncertain significance (1 of 4 stars; one submission).

Conditions:
Infantile-onset ascending hereditary spastic paralysis (IAHSP). Also called: Infantile-Onset Ascending Hereditary Spastic Paralysis (IAHSP); Autosomal Recessive Juvenile Amyotrophic Lateral Sclerosis. Identifiers: Orphanet 293168, MedGen C2931441, MONDO:0011797, OMIM 607225. Disease mechanism: loss of function.

Allele frequency attached by ClinVar (database versions not stated): gnomAD exomes 0.00001 and 0.00003; ExAC 0.00004.
gnomAD v4.1: 8 of 1,614,184 alleles (0.0005%); highest among the groups gnomAD compares: Admixed American, 0.013%; no homozygotes.

Submission:

Labcorp Genetics (formerly Invitae), Labcorp
Classification: Uncertain significance for Infantile-onset ascending hereditary spastic paralysis. Last evaluated: 2025-04-28. Review status: criteria provided, single submitter. Criteria: Invitae Variant Classification Sherloc (09022015). Collection method: clinical testing. Allele origin: germline.
Comment: This sequence change replaces alanine, which is neutral and non-polar, with valine, which is neutral and non-polar, at codon 272 of the ALS2 protein (p.Ala272Val). This variant is present in population databases (rs769548352, gnomAD 0.02%). This variant has not been reported in the literature in individuals affected with ALS2-related conditions. ClinVar contains an entry for this variant (Variation ID: 1481105). Invitae Evidence Modeling of protein sequence and biophysical properties (such as structural, functional, and spatial information, amino acid conservation, physicochemical variation, residue mobility, and thermodynamic stability) indicates that this missense variant is not expected to disrupt ALS2 protein function with a negative predictive value of 80%. In summary, the available evidence is currently insufficient to determine the role of this variant in disease. Therefore, it has been classified as a Variant of Uncertain Significance.

NM_020919.4(ALS2):c.815C>T (p.Ala272Val)

Gene: ALS2 (alsin Rho guanine nucleotide exchange factor ALS2; minus strand). Cytogenetic location: 2q33.1.
Variant type: single nucleotide variant.
Coding change: c.815C>T on transcript NM_020919.4 (MANE Select); coding-DNA position 815, C replaced by T.
Protein change: p.Ala272Val; replaces alanine 272 with valine.
Molecular consequence: missense variant.
Genome position (GRCh38, 1-based): chr2:201,761,179, G>A on the plus strand (C>T on the coding strand, the complement: ALS2 is on the minus strand). VCF-style: chr2-201761179-G-A. GRCh37 (hg19) VCF-style: chr2-202625902-G-A.
Other names: c.815C>T, p.Ala272Val (NM_001135745.2); short protein forms A272V.
Identifiers: ClinVar variation 1481105 (VCV001481105.8), dbSNP rs769548352, ClinGen allele CA2058596.
Genomic context (GRCh38, chr2:201,761,179, plus strand): 5'-TTCTCAAATACTTCTTCCTGCCTGTCAAGGGTTTCAGTGGAGGGGCTGAGAGCAGTGCTG[G>A]CATGGTTTTCTGCCTGAGATTCTGTCAGTGTCACACCTAATGGGCAACAATGACTGTCTG-3'
Protein context (NP_065970.2, residues 262-282): TLTESQAENH[Ala272Val]STALSPSTET